The following is an entry in ClinVar:

ClinVar aggregate classification (germline): Likely pathogenic (1 of 4 stars; one submission).

Submission:

Labcorp Genetics (formerly Invitae), Labcorp
Classification: Likely pathogenic. Last evaluated: 2023-08-02. Review status: criteria provided, single submitter. Criteria: Invitae Variant Classification Sherloc (09022015). Collection method: clinical testing. Allele origin: germline.
Comment: This sequence change affects an acceptor splice site in intron 5 of the SLC12A6 gene. It is expected to disrupt RNA splicing. Variants that disrupt the donor or acceptor splice site typically lead to a loss of protein function (PMID: 16199547), and loss-of-function variants in SLC12A6 are known to be pathogenic (PMID: 12368912, 16606917). In summary, the currently available evidence indicates that the variant is pathogenic, but additional data are needed to prove that conclusively. Therefore, this variant has been classified as Likely Pathogenic. Algorithms developed to predict the effect of sequence changes on RNA splicing suggest that this variant may disrupt the consensus splice site. ClinVar contains an entry for this variant (Variation ID: 1465314). This variant has not been reported in the literature in individuals affected with SLC12A6-related conditions. This variant is not present in population databases (gnomAD no frequency).

Literature cited by the submitters: PubMed 16199547; PubMed 12368912; PubMed 16606917.

NM_001365088.1(SLC12A6):c.691-2A>T

Gene: SLC12A6 (solute carrier family 12 member 6; minus strand). Cytogenetic location: 15q14.
Variant type: single nucleotide variant.
Coding change: c.691-2A>T on transcript NM_001365088.1 (MANE Select); the canonical splice acceptor site of the intron before coding-DNA position 691, A replaced by T.
Molecular consequence: splice acceptor variant.
Genome position (GRCh38, 1-based): chr15:34,256,285, T>A on the plus strand (A>T on the coding strand, the complement: SLC12A6 is on the minus strand). VCF-style: chr15-34256285-T-A. GRCh37 (hg19) VCF-style: chr15-34548486-T-A.
Other names: c.514-2A>T (NM_001042495.2, NM_001042494.2); c.664-2A>T (NM_001042496.2); c.646-2A>T (NM_001042497.2); c.691-2A>T (NM_133647.2); c.538-2A>T (NM_005135.2).
Identifiers: ClinVar variation 1465314 (VCV001465314.6), dbSNP rs2140734972, ClinGen allele CA391611491.